The following is an entry in ClinVar:

ClinVar aggregate classification (germline): Pathogenic. Review status: criteria provided, multiple submitters, no conflicts (2 of 4 stars). 2 submissions from 2 submitters: Pathogenic (2). Last evaluated 2026-04-30.

Conditions:
GNE myopathy (NM). Also called: INCLUSION BODY MYOPATHY, HEREDITARY, AUTOSOMAL RECESSIVE; INCLUSION BODY MYOPATHY 2, AUTOSOMAL RECESSIVE; MYOPATHY, DISTAL, WITH OR WITHOUT RIMMED VACUOLES; IBM 2; Inclusion body myopathy autosomal recessive; Inclusion body myopathy quadriceps sparing. Identifiers: Orphanet 602, MedGen C1853926, MONDO:0011603, OMIM 605820.
Sialuria. Also called: Sialic Acid Storage Disease; SIALURIA, FRENCH TYPE. Identifiers: Orphanet 3166, MedGen C0342853, MONDO:0010028, OMIM 269921.

Submissions (2):

Myriad Genetics, Inc.
Classification: Pathogenic for GNE myopathy. Last evaluated: 2026-04-30. Review status: criteria provided, single submitter. Criteria: Myriad Autosomal Dominant, Autosomal Recessive and X-Linked Classification Criteria (2023). Collection method: clinical testing. Allele origin: unknown.
Comment: NM_001128227.2(GNE):c.2066delA(H689Lfs*3) is a frameshift variant classified as pathogenic in the context of GNE myopathy. H689Lfs*3 has not been observed in cases with relevant disease. Relevant functional assessments of this variant are not available in the literature. H689Lfs*3 has not been observed in referenced population frequency databases. In summary, NM_001128227.2(GNE):c.2066delA(H689Lfs*3) is a frameshift variant in a gene where loss of function is a known mechanism of disease and is predicted to disrupt protein function. Please note: this variant was assessed in the context of healthy population screening.

Labcorp Genetics (formerly Invitae), Labcorp
Classification: Pathogenic for Sialuria; GNE myopathy. Last evaluated: 2023-12-10. Review status: criteria provided, single submitter. Criteria: Invitae Variant Classification Sherloc (09022015). Collection method: clinical testing. Allele origin: germline.
Comment: This sequence change creates a premature translational stop signal (p.His689Leufs*3) in the GNE gene. While this is not anticipated to result in nonsense mediated decay, it is expected to disrupt the last 65 amino acid(s) of the GNE protein. This variant is not present in population databases (gnomAD no frequency). This variant has not been reported in the literature in individuals affected with GNE-related conditions. This variant disrupts a region of the GNE protein in which other variant(s) (p.Met743Thr) have been determined to be pathogenic (PMID: 11528398, 15147877, 15670773, 20300792, 23278550). This suggests that this is a clinically significant region of the protein, and that variants that disrupt it are likely to be disease-causing. For these reasons, this variant has been classified as Pathogenic.

Literature cited by the submitters: PubMed 11528398 (cited by Labcorp Genetics (formerly Invitae), Labcorp); PubMed 15147877 (cited by Labcorp Genetics (formerly Invitae), Labcorp); PubMed 15670773 (cited by Labcorp Genetics (formerly Invitae), Labcorp); PubMed 20300792 (cited by Labcorp Genetics (formerly Invitae), Labcorp); PubMed 23278550 (cited by Labcorp Genetics (formerly Invitae), Labcorp).

NM_005476.7(GNE):c.1973del (p.His658fs)

Gene: GNE (glucosamine (UDP-N-acetyl)-2-epimerase/N-acetylmannosamine kinase; minus strand). Cytogenetic location: 9p13.3.
Variant type: Deletion.
Coding change: c.1973del on transcript NM_005476.7 (MANE Select); coding-DNA position 1973, one base deleted (A; older notation c.1973delA).
Protein change: p.His658fs; shifts the reading frame from histidine 658.
Molecular consequence: frameshift variant.
Genome position (GRCh38, 1-based): chr9:36,217,561, T deleted on the plus strand (A on the coding strand, the reverse complement: GNE is on the minus strand). VCF-style (leftmost placement, unchanged base first): chr9-36217560-AT-A. GRCh37 (hg19) VCF-style: chr9-36217557-AT-A.
Other names: c.2066del, p.His689fs (NM_001128227.3); c.1751del, p.His584fs (NM_001190383.3); c.1643del, p.His548fs (NM_001190384.3); c.1796del, p.His599fs (NM_001190388.2, NM_001374798.1); c.1820del, p.His607fs (NM_001374797.1); short protein forms H689fs, H658fs, H548fs, H584fs, H599fs, H607fs.
Identifiers: ClinVar variation 2940109 (VCV002940109.4), dbSNP rs2489584080, ClinGen allele CA2740095458.